The following is an entry in ClinVar:

ClinVar aggregate classification (germline): Uncertain significance (1 of 4 stars; one submission).

Allele frequency attached by ClinVar (database versions not stated): TOPMed 0.00001; gnomAD 0.00003; ExAC 0.00008; gnomAD exomes 0.00010.
gnomAD v4.1: 154 of 1,608,818 alleles (0.0096%); highest among the groups gnomAD compares: East Asian, 0.27%; no homozygotes.

Submission:

Labcorp Genetics (formerly Invitae), Labcorp
Classification: Uncertain significance. Last evaluated: 2023-10-17. Review status: criteria provided, single submitter. Criteria: Invitae Variant Classification Sherloc (09022015). Collection method: clinical testing. Allele origin: germline.
Comment: This sequence change replaces glycine, which is neutral and non-polar, with serine, which is neutral and polar, at codon 533 of the TGM6 protein (p.Gly533Ser). This variant is present in population databases (rs757112623, gnomAD 0.06%), and has an allele count higher than expected for a pathogenic variant. This variant has not been reported in the literature in individuals affected with TGM6-related conditions. Advanced modeling of protein sequence and biophysical properties (such as structural, functional, and spatial information, amino acid conservation, physicochemical variation, residue mobility, and thermodynamic stability) performed at Invitae indicates that this missense variant is not expected to disrupt TGM6 protein function. In summary, the available evidence is currently insufficient to determine the role of this variant in disease. Therefore, it has been classified as a Variant of Uncertain Significance.

NM_198994.3(TGM6):c.1597G>A (p.Gly533Ser)

Gene: TGM6 (transglutaminase 6; plus strand). Cytogenetic location: 20p13.
Variant type: single nucleotide variant.
Coding change: c.1597G>A on transcript NM_198994.3 (MANE Select); coding-DNA position 1597, G replaced by A.
Protein change: p.Gly533Ser; replaces glycine 533 with serine.
Molecular consequence: missense variant.
Genome position (GRCh38, 1-based): chr20:2,417,492, G>A. VCF-style: chr20-2417492-G-A. GRCh37 (hg19) VCF-style: chr20-2398138-G-A.
Other names: c.1597G>A, p.Gly533Ser (NM_001254734.2); short protein forms G533S.
Identifiers: ClinVar variation 2895746 (VCV002895746.3), dbSNP rs757112623, ClinGen allele CA9732142.